The following is an entry in ClinVar:

NM_000540.3(RYR1):c.1881C>T (p.Gly627=)

Gene: RYR1 (ryanodine receptor 1; plus strand). Cytogenetic location: 19q13.2.
Variant type: single nucleotide variant.
Coding change: c.1881C>T on transcript NM_000540.3 (MANE Select); coding-DNA position 1881, C replaced by T.
Protein change: p.Gly627=; no amino-acid change (glycine 627 retained).
Molecular consequence: synonymous variant.
Genome position (GRCh38, 1-based): chr19:38,457,586, C>T. VCF-style: chr19-38457586-C-T. GRCh37 (hg19) VCF-style: chr19-38948226-C-T.
Other names: c.1881C>T, p.Gly627= (NM_001042723.2).
Identifiers: ClinVar variation 1949902 (VCV001949902.6), dbSNP rs2145406694, ClinGen allele CA507243492.

ClinVar aggregate classification (germline): Likely benign. Review status: criteria provided, multiple submitters, no conflicts (2 of 4 stars). 2 submissions from 2 submitters: Likely benign (2). Last evaluated 2023-04-10.

Conditions:
RYR1-related disorder. Also called: RYR1-related condition; RYR1-related disorders. Identifiers: MedGen CN239331.
Malignant hyperthermia, susceptibility to, 1 (MHS1). Also called: Malignant hyperthermia suceptibility 1; Anesthesia related hyperthermia; Malignant hyperpyrexia; Fulminating hyperpyrexia; Pharmacogenic myopathy; RYR1-Related Malignant Hyperthermia Susceptibility. Identifiers: Orphanet 423, MedGen C2930980, MONDO:0007783, OMIM 145600.

Submissions (2):

All of Us Research Program, National Institutes of Health
Classification: Likely benign for Malignant hyperthermia, susceptibility to, 1. Last evaluated: 2023-04-10. Review status: criteria provided, single submitter. Criteria: ACMG Guidelines, 2015. Collection method: clinical testing. Allele origin: germline. Inheritance: Autosomal dominant inheritance. Observed: 1 variant allele, 1 heterozygote.
Comment: This study involves interpretation of variants in research participants for the purpose of population health screening. Participant phenotype was not available at the time of variant classification. Additional details can be found in publication PMID: 35346344, PMCID: PMC8962531

Labcorp Genetics (formerly Invitae), Labcorp
Classification: Likely benign for RYR1-related disorder. Last evaluated: 2021-12-24. Review status: criteria provided, single submitter. Criteria: Invitae Variant Classification Sherloc (09022015). Collection method: clinical testing. Allele origin: germline.